The following is an entry in ClinVar:

NM_002661.5(PLCG2):c.572_574del (p.Gly191del)

Gene: PLCG2 (phospholipase C gamma 2; plus strand). Cytogenetic location: 16q23.3.
Variant type: Deletion.
Coding change: c.572_574del on transcript NM_002661.5 (MANE Select); coding-DNA positions 572 to 574, 3 bases deleted (GAG; older notation c.572_574delGAG).
Protein change: p.Gly191del; deletes glycine 191.
Molecular consequence: inframe deletion.
Genome position (GRCh38, 1-based): chr16:81,870,859-81,870,861, GAG deleted; deleting any 3 consecutive bases within chr16:81,870,857-81,870,861 gives the same sequence; the c. name uses the placement nearest the transcript's 3' end. VCF-style (leftmost placement, unchanged base first): chr16-81870856-TAGG-T. GRCh37 (hg19) VCF-style: chr16-81904461-TAGG-T.
Other names: short protein forms G191del.
Identifiers: ClinVar variation 663738 (VCV000663738.8), dbSNP rs763410656, ClinGen allele CA8193304.

ClinVar aggregate classification (germline): Uncertain significance (1 of 4 stars; one submission).

Conditions:
Familial cold autoinflammatory syndrome 3 (FCAS3). Also called: FAMILIAL ATYPICAL COLD URTICARIA; ANTIBODY DEFICIENCY AND IMMUNE DYSREGULATION, PLCG2-ASSOCIATED. Identifiers: Orphanet 300359, MedGen C3280914, MONDO:0013766, OMIM 614468.

Submission:

Labcorp Genetics (formerly Invitae), Labcorp
Classification: Uncertain significance for Familial cold autoinflammatory syndrome 3. Last evaluated: 2025-06-04. Review status: criteria provided, single submitter. Criteria: Invitae Variant Classification Sherloc (09022015). Collection method: clinical testing. Allele origin: germline.
Comment: This variant, c.572_574del, results in the deletion of 1 amino acid(s) of the PLCG2 protein (p.Gly191del), but otherwise preserves the integrity of the reading frame. This variant is present in population databases (rs763410656, gnomAD 0.03%). This variant has not been reported in the literature in individuals affected with PLCG2-related conditions. ClinVar contains an entry for this variant (Variation ID: 663738). Experimental studies and prediction algorithms are not available or were not evaluated, and the functional significance of this variant is currently unknown. In summary, the available evidence is currently insufficient to determine the role of this variant in disease. Therefore, it has been classified as a Variant of Uncertain Significance.